The following is an entry in ClinVar:

NM_177965.4(CFAP418):c.*2330C>T

Gene: CFAP418 (cilia and flagella associated protein 418; minus strand). Cytogenetic location: 8q22.1.
Variant type: single nucleotide variant.
Coding change: c.*2330C>T on transcript NM_177965.4 (MANE Select); 2330 bases downstream of the stop codon, C replaced by T.
Molecular consequence: 3 prime UTR variant.
Genome position (GRCh38, 1-based): chr8:95,245,287, G>A on the plus strand (C>T on the coding strand, the complement: CFAP418 is on the minus strand). VCF-style: chr8-95245287-G-A. GRCh37 (hg19) VCF-style: chr8-96257515-G-A.
Other names: c.*2330C>T (NM_001363260.1).
Identifiers: ClinVar variation 363983 (VCV000363983.5), dbSNP rs150859301, ClinGen allele CA10631813.

ClinVar aggregate classification (germline): Conflicting classifications of pathogenicity. Review status: criteria provided, conflicting classifications (1 of 4 stars). 2 submissions from 1 submitter: Uncertain significance (1); Likely benign (1). Last evaluated 2018-01-13.

Conditions:
Cone-rod dystrophy 16 (CORD16). Identifiers: MedGen C3281045, MONDO:0013786, OMIM 614500.
Retinitis pigmentosa (RP). Identifiers: Orphanet 791, MedGen C0035334, MeSH D012174, MONDO:0019200, OMIM 268000. Inheritance: Autosomal dominant, autosomal recessive and X linked inheritance.

Allele frequency attached by ClinVar (database versions not stated): 1000 Genomes Project 30x 0.01093; 1000 Genomes Project 0.01138; TOPMed 0.01166; gnomAD 0.01658 and 0.01689.

Submissions (2):

Illumina Laboratory Services, Illumina
Classification: Uncertain significance for Retinitis pigmentosa. Last evaluated: 2018-01-13. Review status: criteria provided, single submitter. Criteria: ICSL Variant Classification Criteria 13 December 2019. Collection method: clinical testing. Allele origin: germline.

Illumina Laboratory Services, Illumina
Classification: Likely benign for Cone-rod dystrophy 16. Last evaluated: 2018-01-13. Review status: criteria provided, single submitter. Criteria: ICSL Variant Classification Criteria 13 December 2019. Collection method: clinical testing. Allele origin: germline.
Comment: This variant was observed in the ICSL laboratory as part of a predisposition screen in an ostensibly healthy population. It had not been previously curated by ICSL or reported in the Human Gene Mutation Database (HGMD: prior to June 1st, 2018), and was therefore a candidate for classification through an automated scoring system. Utilizing variant allele frequency, disease prevalence and penetrance estimates, and inheritance mode, an automated score was calculated to assess if this variant is too frequent to cause the disease. Based on the score and internal cut-off values, a variant classified as likely benign is not then subjected to further curation. The score for this variant resulted in a classification of likely benign for this disease.